The following is an entry in ClinVar:

NM_006231.4(POLE):c.1025A>G (p.His342Arg)

Gene: POLE (DNA polymerase epsilon, catalytic subunit; minus strand). Cytogenetic location: 12q24.33.
Variant type: single nucleotide variant.
Coding change: c.1025A>G on transcript NM_006231.4 (MANE Select); coding-DNA position 1025, A replaced by G.
Protein change: p.His342Arg; replaces histidine 342 with arginine.
Molecular consequence: missense variant.
Genome position (GRCh38, 1-based): chr12:132,675,816, T>C on the plus strand (A>G on the coding strand, the complement: POLE is on the minus strand). VCF-style: chr12-132675816-T-C. GRCh37 (hg19) VCF-style: chr12-133252402-T-C.
Other names: short protein forms H342R.
Identifiers: ClinVar variation 1434111 (VCV001434111.9), dbSNP rs2136012061, ClinGen allele CA387361873.

ClinVar aggregate classification (germline): Uncertain significance. Review status: criteria provided, multiple submitters, no conflicts (2 of 4 stars). 2 submissions from 2 submitters: Uncertain significance (2). Last evaluated 2024-02-06.

Conditions:
Colorectal cancer, susceptibility to, 12 (CRCS12). Also called: COLORECTAL CANCER, SUSCEPTIBILITY TO, ON CHROMOSOME 12q24. Identifiers: Orphanet 220460, MedGen C3554460, MONDO:0014038, OMIM 615083.

Submissions (2):

Baylor Genetics
Classification: Uncertain significance for Colorectal cancer, susceptibility to, 12. Last evaluated: 2024-02-06. Review status: criteria provided, single submitter. Criteria: ACMG Guidelines, 2015. Collection method: clinical testing. Allele origin: unknown.

Labcorp Genetics (formerly Invitae), Labcorp
Classification: Uncertain significance. Last evaluated: 2023-12-01. Review status: criteria provided, single submitter. Criteria: Invitae Variant Classification Sherloc (09022015). Collection method: clinical testing. Allele origin: germline.
Comment: This sequence change replaces histidine, which is basic and polar, with arginine, which is basic and polar, at codon 342 of the POLE protein (p.His342Arg). This variant is not present in population databases (gnomAD no frequency). This variant has not been reported in the literature in individuals affected with POLE-related conditions. ClinVar contains an entry for this variant (Variation ID: 1434111). Advanced modeling of protein sequence and biophysical properties (such as structural, functional, and spatial information, amino acid conservation, physicochemical variation, residue mobility, and thermodynamic stability) performed at Invitae indicates that this missense variant is not expected to disrupt POLE protein function with a negative predictive value of 80%. In summary, the available evidence is currently insufficient to determine the role of this variant in disease. Therefore, it has been classified as a Variant of Uncertain Significance.